The following is an entry in ClinVar:

ClinVar aggregate classification (germline): Uncertain significance. Review status: criteria provided, multiple submitters, no conflicts (2 of 4 stars). 3 submissions from 3 submitters: Uncertain significance (2). 1 of the submissions does not count toward it. Last evaluated 2025-10-09.

Conditions:
HEMOGLOBIN ST. FRANCIS.

Submissions (3):

Quest Diagnostics Nichols Institute San Juan Capistrano
Classification: Uncertain significance. Last evaluated: 2025-10-09. Review status: criteria provided, single submitter. Criteria: Quest Diagnostics criteria. Collection method: clinical testing. Allele origin: unknown.
Comment: The HBB c.365A>G (p.Glu122Gly) variant has been reported in the published literature in in an individual with normal hematologic presentation (PMID: 1917532 (1991)) and reported to have normal stability HbVar). This variant has not been reported in large, multi-ethnic general populations (Genome Aggregation Database). Analysis of this variant using bioinformatics tools for the prediction of the effect of amino acid changes on protein structure and function yielded conflicting predictions that this variant is deleterious or benign. Based on the available information, we are unable to determine the clinical significance of this variant.

Women's Health and Genetics/Laboratory Corporation of America, LabCorp
Classification: Uncertain significance. Last evaluated: 2025-05-22. Review status: criteria provided, single submitter. Criteria: LabCorp Variant Classification Summary - May 2015. Collection method: clinical testing. Allele origin: germline.
Comment: Variant summary: HBB c.365A>G (p.Glu122Gly) results in a non-conservative amino acid change in the encoded protein sequence. Algorithms developed to predict the effect of missense changes on protein structure and function are either unavailable or do not agree on the potential impact of this missense change. The variant was absent in 251312 control chromosomes. c.365A>G has been observed in an individual(s) (Abourzik_1991). These report(s) do not provide unequivocal conclusions about association of the variant with Beta Thalassemia. Different variants affecting the same codon have been classified as pathogenic by our lab (p.Glu122Lys, p.Glu122Gln), supporting the critical relevance of codon 122 to HBB protein function, however additional evidence is needed for this variant. To our knowledge, no experimental evidence demonstrating an impact on protein function has been reported. ClinVar contains an entry for this variant (Variation ID: 15501). Based on the evidence outlined above, the variant was classified as VUS-possibly pathogenic.

OMIM
Classification: other for HEMOGLOBIN ST. FRANCIS. Last evaluated: 2017-12-12. Review status: no assertion criteria provided. Collection method: literature only. Allele origin: germline. Not counted in ClinVar's aggregate classification.

Literature cited by the submitters: PubMed 1917532 (cited by 3 submitters).

NM_000518.4(HBB):c.365A>G (p.Glu122Gly)

Genes: HBB (hemoglobin subunit beta; minus strand), LOC107133510 (origin of replication at HBB; plus strand), LOC110006319 (beta-globin gene 3' regulatory region; plus strand). Cytogenetic location: 11p15.4.
Variant type: single nucleotide variant.
Coding change: c.365A>G on transcript NM_000518.4; coding-DNA position 365, A replaced by G.
Protein change: p.Glu122Gly; replaces glutamic acid 122 with glycine.
Molecular consequence: missense variant (on NM_000518.5).
Genome position (GRCh38, 1-based): chr11:5,225,677, T>C on the plus strand (A>G on the coding strand, the complement: HBB is on the minus strand). VCF-style: chr11-5225677-T-C. GRCh37 (hg19) VCF-style: chr11-5246907-T-C.
Other names: E121G; c.365A>G, p.Glu122Gly (NM_000518.5); short protein forms E122G.
Identifiers: ClinVar variation 15501 (VCV000015501.4), dbSNP rs33987957, ClinGen allele CA125362.